The following is an entry in ClinVar:

NM_000051.4(ATM):c.8882C>G (p.Thr2961Ser)

Genes: ATM (ATM serine/threonine kinase; plus strand), C11orf65 (chromosome 11 open reading frame 65; minus strand). Cytogenetic location: 11q22.3.
Variant type: single nucleotide variant.
Coding change: c.8882C>G on transcript NM_000051.4 (MANE Select); coding-DNA position 8882, C replaced by G.
Protein change: p.Thr2961Ser; replaces threonine 2961 with serine.
Molecular consequence: missense variant. On other transcripts: intron variant (2).
Genome position (GRCh38, 1-based): chr11:108,365,113, C>G. VCF-style: chr11-108365113-C-G. GRCh37 (hg19) VCF-style: chr11-108235840-C-G.
Other names: c.8882C>G, p.Thr2961Ser (NM_001351834.2); c.640+20807G>C (NM_001330368.2); c.694+20807G>C (NM_001351110.2); short protein forms T2961S.
Identifiers: ClinVar variation 2827078 (VCV002827078.3), dbSNP rs1591384581, ClinGen allele CA382529685.

ClinVar aggregate classification (germline): Uncertain significance (1 of 4 stars; one submission).

Conditions:
Ataxia-telangiectasia syndrome (AT). Also called: LOUIS-BAR SYNDROME; Cerebello-oculocutaneous telangiectasia; Immunodeficiency with ataxia telangiectasia; Ataxia telangiectasia (A-T); Ataxia-telangiectasia, complementation group D; AT, COMPLEMENTATION GROUP C. Identifiers: Orphanet 100, MedGen C0004135, MONDO:0008840, OMIM 208900.

Submission:

Labcorp Genetics (formerly Invitae), Labcorp
Classification: Uncertain significance for Ataxia-telangiectasia syndrome. Last evaluated: 2023-01-08. Review status: criteria provided, single submitter. Criteria: Invitae Variant Classification Sherloc (09022015). Collection method: clinical testing. Allele origin: germline.
Comment: In summary, the available evidence is currently insufficient to determine the role of this variant in disease. Therefore, it has been classified as a Variant of Uncertain Significance. Algorithms developed to predict the effect of missense changes on protein structure and function (SIFT, PolyPhen-2, Align-GVGD) all suggest that this variant is likely to be disruptive. This variant has not been reported in the literature in individuals affected with ATM-related conditions. This variant is not present in population databases (gnomAD no frequency). This sequence change replaces threonine, which is neutral and polar, with serine, which is neutral and polar, at codon 2961 of the ATM protein (p.Thr2961Ser).